The following is an entry in ClinVar:

NM_004991.4(MECOM):c.587A>C (p.His196Pro)

Gene: MECOM (MDS1 and EVI1 complex locus; minus strand). Cytogenetic location: 3q26.2.
Variant type: single nucleotide variant.
Coding change: c.587A>C on transcript NM_004991.4 (MANE Select); coding-DNA position 587, A replaced by C.
Protein change: p.His196Pro; replaces histidine 196 with proline.
Molecular consequence: missense variant.
Genome position (GRCh38, 1-based): chr3:169,131,455, T>G on the plus strand (A>C on the coding strand, the complement: MECOM is on the minus strand). VCF-style: chr3-169131455-T-G. GRCh37 (hg19) VCF-style: chr3-168849243-T-G.
Other names: c.215A>C, p.His72Pro (NM_001105077.4); c.23A>C, p.His8Pro (NM_001105078.4, NM_001163999.2, NM_001164000.2 and 9 more transcripts); c.587A>C, p.His196Pro (NM_001366466.2, NM_001366473.2); short protein forms H196P, H8P, H72P.
Identifiers: ClinVar variation 4053304 (VCV004053304.1).

ClinVar aggregate classification (germline): Uncertain significance (1 of 4 stars; one submission).

Conditions:
Inborn genetic diseases. Identifiers: MedGen C0950123, MeSH D030342.

gnomAD v4.1: 1 of 1,614,072 alleles (0.000062%); highest among the groups gnomAD compares: Non-Finnish European, 0.000085%; no homozygotes.

Submission:

Ambry Genetics
Classification: Uncertain significance for Inborn genetic diseases. Last evaluated: 2025-05-31. Review status: criteria provided, single submitter. Criteria: Ambry Variant Classification Scheme 2023. Collection method: clinical testing. Allele origin: germline.
Comment: The p.H196P variant (also known as c.587A>C), located in coding exon 4 of the MECOM gene, results from an A to C substitution at nucleotide position 587. The histidine at codon 196 is replaced by proline, an amino acid with similar properties. This amino acid position is conserved. In addition, this alteration is predicted to be tolerated by in silico analysis. Based on the available evidence, the clinical significance of this variant remains unclear.